The following is an entry in ClinVar:

NM_001007553.3(CSDE1):c.1548C>T (p.Ser516=)

Gene: CSDE1 (cold shock domain containing E1; minus strand). Cytogenetic location: 1p13.2.
Variant type: single nucleotide variant.
Coding change: c.1548C>T on transcript NM_001007553.3 (MANE Select); coding-DNA position 1548, C replaced by T.
Protein change: p.Ser516=; no amino-acid change (serine 516 retained).
Molecular consequence: synonymous variant.
Genome position (GRCh38, 1-based): chr1:114,726,303, G>A on the plus strand (C>T on the coding strand, the complement: CSDE1 is on the minus strand). VCF-style: chr1-114726303-G-A. GRCh37 (hg19) VCF-style: chr1-115268924-G-A.
Other names: c.1593C>T, p.Ser531= (NM_001130523.3); c.1686C>T, p.Ser562= (NM_001242891.2); c.1548C>T, p.Ser516= (NM_001242892.2); c.1455C>T, p.Ser485= (NM_001242893.2, NM_007158.6).
Identifiers: ClinVar variation 3356795 (VCV003356795.1).

ClinVar aggregate classification (germline): Likely benign (0 of 4 stars; one submission).

Conditions:
CSDE1-related disorder. Also called: CSDE1-related condition.

gnomAD v4.1: 1,535 of 1,613,684 alleles (0.095%); highest among the groups gnomAD compares: Non-Finnish European, 0.12%; 1 homozygote.

Submission:

PreventionGenetics, part of Exact Sciences
Classification: Likely benign for CSDE1-related condition. Last evaluated: 2024-07-25. Review status: no assertion criteria provided. Collection method: clinical testing. Allele origin: germline.
Comment: This variant is classified as likely benign based on ACMG/AMP sequence variant interpretation guidelines (Richards et al. 2015 PMID: 25741868, with internal and published modifications).